The following is an entry in ClinVar:

NM_024592.5(SRD5A3):c.169T>C (p.Cys57Arg)

Gene: SRD5A3 (steroid 5 alpha-reductase 3; plus strand). Cytogenetic location: 4q12.
Variant type: single nucleotide variant.
Coding change: c.169T>C on transcript NM_024592.5 (MANE Select); coding-DNA position 169, T replaced by C.
Protein change: p.Cys57Arg; replaces cysteine 57 with arginine.
Molecular consequence: missense variant.
Genome position (GRCh38, 1-based): chr4:55,346,505, T>C. VCF-style: chr4-55346505-T-C. GRCh37 (hg19) VCF-style: chr4-56212672-T-C.
Other names: short protein forms C57R.
Identifiers: ClinVar variation 1378184 (VCV001378184.6), dbSNP rs530006860, ClinGen allele CA97479140.

ClinVar aggregate classification (germline): Uncertain significance (1 of 4 stars; one submission).

Conditions:
SRD5A3-congenital disorder of glycosylation. Also called: SRD5A3-CDG; COLOBOMA, OCULAR, WITH ICHTHYOSIS, BRAIN MALFORMATIONS, AND ENDOCRINE ABNORMALITIES; CDG Iq; Ocular colobomas, ichthyosis, brain malformations and endocrine abnormalities; Congenital disorder of glycosylation type 1Q. Identifiers: Orphanet 324737, MedGen C4317224, MONDO:0012885, OMIM 612379.

Allele frequency attached by ClinVar (database versions not stated): gnomAD 0.00001; gnomAD exomes 0.00001; TOPMed 0.00002.
gnomAD v4.1: 29 of 1,601,730 alleles (0.0018%); highest among the groups gnomAD compares: Middle Eastern, 0.017%; no homozygotes.

Submission:

Labcorp Genetics (formerly Invitae), Labcorp
Classification: Uncertain significance for SRD5A3-congenital disorder of glycosylation. Last evaluated: 2023-08-04. Review status: criteria provided, single submitter. Criteria: Invitae Variant Classification Sherloc (09022015). Collection method: clinical testing. Allele origin: germline.
Comment: In summary, the available evidence is currently insufficient to determine the role of this variant in disease. Therefore, it has been classified as a Variant of Uncertain Significance. Algorithms developed to predict the effect of missense changes on protein structure and function output the following: SIFT: "Not Available"; PolyPhen-2: "Benign"; Align-GVGD: "Not Available". The arginine amino acid residue is found in multiple mammalian species, which suggests that this missense change does not adversely affect protein function. ClinVar contains an entry for this variant (Variation ID: 1378184). This variant has not been reported in the literature in individuals affected with SRD5A3-related conditions. This variant is not present in population databases (gnomAD no frequency). This sequence change replaces cysteine, which is neutral and slightly polar, with arginine, which is basic and polar, at codon 57 of the SRD5A3 protein (p.Cys57Arg).